The following is an entry in ClinVar:

ClinVar aggregate classification (germline): Uncertain significance. Review status: criteria provided, multiple submitters, no conflicts (2 of 4 stars). 3 submissions from 3 submitters: Uncertain significance (2). 1 of the submissions does not count toward it. Last evaluated 2018-01-13.

Conditions:
Spermatogenic failure 7. Also called: MALE INFERTILITY, NONSYNDROMIC, AUTOSOMAL RECESSIVE. Identifiers: Orphanet 276234, MedGen C2751811, MONDO:0013070, OMIM 612997.
CATSPER1-related disorder. Also called: CATSPER1-related condition.

Allele frequency attached by ClinVar (database versions not stated): gnomAD 0.00001 and 0.00044; TOPMed 0.00010; gnomAD exomes 0.00090 and 0.00182; ExAC 0.00192; 1000 Genomes Project 30x 0.00203; 1000 Genomes Project 0.00240.
gnomAD v4.1: 1,375 of 1,612,388 alleles (0.085%); highest among the groups gnomAD compares: South Asian, 1.5%; 16 homozygotes.

Submissions (3):

Illumina Laboratory Services, Illumina
Classification: Uncertain significance for Spermatogenic failure 7. Last evaluated: 2018-01-13. Review status: criteria provided, single submitter. Criteria: ICSL Variant Classification Criteria 13 December 2019. Collection method: clinical testing. Allele origin: germline.

Breakthrough Genomics
Classification: Uncertain significance. Review status: criteria provided, single submitter. Criteria: ACMG Guidelines, 2015. Collection method: not provided. Allele origin: germline. Inheritance: Autosomal recessive inheritance. Affected: yes.

PreventionGenetics, part of Exact Sciences
Classification: Benign for CATSPER1-related condition. Last evaluated: 2019-07-01. Review status: no assertion criteria provided. Collection method: clinical testing. Allele origin: germline. Not counted in ClinVar's aggregate classification.
Comment: This variant is classified as benign based on ACMG/AMP sequence variant interpretation guidelines (Richards et al. 2015 PMID: 25741868, with internal and published modifications).

NM_053054.4(CATSPER1):c.1950C>T (p.Ile650=)

Gene: CATSPER1 (cation channel sperm associated 1; minus strand). Cytogenetic location: 11q13.1.
Variant type: single nucleotide variant.
Coding change: c.1950C>T on transcript NM_053054.4 (MANE Select); coding-DNA position 1950, C replaced by T.
Protein change: p.Ile650=; no amino-acid change (isoleucine 650 retained).
Molecular consequence: synonymous variant.
Genome position (GRCh38, 1-based): chr11:66,020,605, G>A on the plus strand (C>T on the coding strand, the complement: CATSPER1 is on the minus strand). VCF-style: chr11-66020605-G-A. GRCh37 (hg19) VCF-style: chr11-65788076-G-A.
Identifiers: ClinVar variation 879419 (VCV000879419.7), dbSNP rs531856996, ClinGen allele CA6114485.